The following is an entry in ClinVar:

NM_003919.3(SGCE):c.68G>T (p.Arg23Leu)

Gene: SGCE (sarcoglycan epsilon; minus strand). Cytogenetic location: 7q21.3.
Variant type: single nucleotide variant.
Coding change: c.68G>T on transcript NM_003919.3 (MANE Select); coding-DNA position 68, G replaced by T.
Protein change: p.Arg23Leu; replaces arginine 23 with leucine.
Molecular consequence: missense variant. On other transcripts: 5 prime UTR variant (4).
Genome position (GRCh38, 1-based): chr7:94,656,031, C>A on the plus strand (G>T on the coding strand, the complement: SGCE is on the minus strand). VCF-style: chr7-94656031-C-A. GRCh37 (hg19) VCF-style: chr7-94285343-C-A.
Other names: c.68G>T, p.Arg23Leu (NM_001099400.2, NM_001099401.2, NM_001301139.2 and 4 more transcripts); c.-190G>T (NM_001346719.2); c.-268G>T (NM_001346720.2, NM_001362808.2); c.-196G>T (NM_001362807.2); short protein forms R23L.
Identifiers: ClinVar variation 2711749 (VCV002711749.3), dbSNP rs770302911, ClinGen allele CA4348922.

ClinVar aggregate classification (germline): Uncertain significance (1 of 4 stars; one submission).

Conditions:
Myoclonic dystonia 11 (DYT11). Also called: DYT-SGCE; Myoclonic dystonia; Dystonia 11; Dystonia, alcohol responsive; Hereditary essential myoclonus; SGCE Myoclonus-Dystonia. Identifiers: Orphanet 36899, MedGen C1834570, MONDO:0008044, OMIM 159900.

Allele frequency attached by ClinVar (database versions not stated): gnomAD exomes below 0.00001; ExAC 0.00002.

Submission:

Labcorp Genetics (formerly Invitae), Labcorp
Classification: Uncertain significance for Myoclonic dystonia 11. Last evaluated: 2025-06-22. Review status: criteria provided, single submitter. Criteria: Invitae Variant Classification Sherloc (09022015). Collection method: clinical testing. Allele origin: germline.
Comment: This sequence change replaces arginine, which is basic and polar, with leucine, which is neutral and non-polar, at codon 23 of the SGCE protein (p.Arg23Leu). The frequency data for this variant in the population databases is considered unreliable, as metrics indicate poor data quality at this position in the gnomAD database. This variant has not been reported in the literature in individuals affected with SGCE-related conditions. ClinVar contains an entry for this variant (Variation ID: 2711749). An algorithm developed to predict the effect of missense changes on protein structure and function outputs the following: PolyPhen-2: "Benign". The leucine amino acid residue is found in multiple mammalian species, which suggests that this missense change does not adversely affect protein function. In summary, the available evidence is currently insufficient to determine the role of this variant in disease. Therefore, it has been classified as a Variant of Uncertain Significance.